The following is an entry in ClinVar:

NM_002834.5(PTPN11):c.180_181delinsAA (p.Asp61Asn)

Gene: PTPN11 (protein tyrosine phosphatase non-receptor type 11; plus strand). Cytogenetic location: 12q24.13.
Variant type: Indel.
Coding change: c.180_181delinsAA on transcript NM_002834.5 (MANE Select); coding-DNA positions 180 to 181, TG replaced by AA.
Protein change: p.Asp61Asn; replaces aspartic acid 61 with asparagine.
Molecular consequence: missense variant.
Genome position (GRCh38, 1-based): chr12:112,450,360-112,450,361, TG replaced by AA. VCF-style: chr12-112450360-TG-AA. GRCh37 (hg19) VCF-style: chr12-112888164-TG-AA.
Other names: c.180_181delinsAA, p.Asp61Asn (NM_001330437.2, NM_080601.3); c.177_178delinsAA, p.Asp60Asn (NM_001374625.1); short protein forms D61N, D60N.
Identifiers: ClinVar variation 372703 (VCV000372703.2), dbSNP rs1057517935, ClinGen allele CA16042833.

ClinVar aggregate classification (germline): Pathogenic (1 of 4 stars; one submission).

Submission:

GeneDx
Classification: Pathogenic. Last evaluated: 2017-06-13. Review status: criteria provided, single submitter. Criteria: GeneDx Variant Classification (06012015). Collection method: clinical testing. Allele origin: germline. Affected: yes.
Comment: To our knowldege, the c.180_181delTGinsAA variant in the PTPN11 gene has not been published as a pathogenic variant, nor has it been reported as a benign variant. The c.180_181delTGinsAA variant results in an in-frame deletion leading to the the replacement of an Aspartic acid residue by an Asparagine residue, denoted p.Asp61Asn (D61N). Another nucleotide change (c.181 G>A), also leading to the D61N missense change has been published previously in association with Noonan syndrome (Stenson et al., 2014). The c.180_181delTGinsAA variant was not observed in approximately 6,500 individuals of European and African American ancestry in the NHLBI Exome Sequencing Project, indicating it is not a common benign variant in these populations. It is a semi-conservative amino acid substitution, which may impact secondary protein structure as these residues differ in some properties. This substitution occurs at a position within the hotspot N-SH2 domain where the Aspartic acid residue is conserved across species and in silico analysis predicts this variant is probably damaging to the protein structure/function. In addition, missense variants at the same codon (D61H/G/A) and in nearby residues (Y62D/N/C, G60A/S/C) have been reported in the Human Gene Mutation Database in association with Noonan syndrome (Stenson et al., 2014), supporting the functional importance of this region of the protein.